The following is an entry in ClinVar:

ClinVar aggregate classification (germline): Likely benign (1 of 4 stars; one submission).

gnomAD v4.1: 895 of 535,814 alleles (0.17%); highest among the groups gnomAD compares: Non-Finnish European, 0.23%; 3 homozygotes.

Submission:

CeGaT Center for Human Genetics Tuebingen
Classification: Likely benign. Last evaluated: 2024-10-01. Review status: criteria provided, single submitter. Criteria: CeGaT Center For Human Genetics Tuebingen Variant Classification Criteria Version 2. Collection method: clinical testing. Allele origin: germline. Affected: yes. Observed: 1 variant allele.
Comment: CTSB: BS1

NM_001908.5(CTSB):c.447-285C>T

Gene: CTSB (cathepsin B). Cytogenetic location: 8p23.1.
Variant type: single nucleotide variant.
Coding change: c.447-285C>T on transcript NM_001908.5 (MANE Select); 285 bases into the intron before coding-DNA position 447, C replaced by T.
Molecular consequence: intron variant.
Genome position (GRCh38, 1-based): chr8:11,848,437, G>A on the plus strand (C>T on the coding strand, the complement: CTSB is on the minus strand). VCF-style: chr8-11848437-G-A. GRCh37 (hg19) VCF-style: chr8-11705946-G-A.
Other names: c.447-285C>T (NM_001384728.1, NM_147783.4, NM_147781.4 and 8 more transcripts); c.75-285C>T (NM_001317237.2).
Identifiers: ClinVar variation 3387924 (VCV003387924.14).